The following is an entry in ClinVar:

NM_000466.3(PEX1):c.829C>T (p.Gln277Ter)

Gene: PEX1 (peroxisomal biogenesis factor 1; minus strand). Cytogenetic location: 7q21.2.
Variant type: single nucleotide variant.
Coding change: c.829C>T on transcript NM_000466.3 (MANE Select); coding-DNA position 829, C replaced by T.
Protein change: p.Gln277Ter; replaces glutamine 277 with a stop codon.
Molecular consequence: nonsense.
Genome position (GRCh38, 1-based): chr7:92,517,686, G>A on the plus strand (C>T on the coding strand, the complement: PEX1 is on the minus strand). VCF-style: chr7-92517686-G-A. GRCh37 (hg19) VCF-style: chr7-92147000-G-A.
Other names: p.Gln277*; c.829C>T, p.Gln277Ter (NM_001282677.2); c.205C>T, p.Gln69Ter (NM_001282678.2); short protein forms Q277*, Q69*.
Identifiers: ClinVar variation 2683617 (VCV002683617.4), dbSNP rs1792861698, ClinGen allele CA368199569.

ClinVar aggregate classification (germline): Pathogenic/Likely pathogenic. Review status: criteria provided, multiple submitters, no conflicts (2 of 4 stars). 3 submissions from 3 submitters: Pathogenic (2); Likely pathogenic (1). Last evaluated 2025-12-06.

Conditions:
Zellweger spectrum disorders (ZS). Also called: Zellweger Spectrum Disorder (ZSD); Zellweger Spectrum Disorder; Zellweger Spectrum; Zellweger syndrome. Identifiers: Orphanet 912, MedGen C0043459, MONDO:0019609.
Peroxisome biogenesis disorder. Identifiers: Orphanet 79189, MedGen C1832200, MONDO:0019234. Disease mechanism: loss of function.

Allele frequency attached by ClinVar (database versions not stated): gnomAD 0.00001.

Submissions (3):

Labcorp Genetics (formerly Invitae), Labcorp
Classification: Pathogenic for Zellweger spectrum disorders. Last evaluated: 2025-12-06. Review status: criteria provided, single submitter. Criteria: Invitae Variant Classification Sherloc (09022015). Collection method: clinical testing. Allele origin: germline.
Comment: This sequence change creates a premature translational stop signal (p.Gln277*) in the PEX1 gene. It is expected to result in an absent or disrupted protein product. Loss-of-function variants in PEX1 are known to be pathogenic (PMID: 21031596, 26387595, 31831025). This variant is not present in population databases (gnomAD no frequency). This variant has not been reported in the literature in individuals affected with PEX1-related conditions. ClinVar contains an entry for this variant (Variation ID: 2683617). For these reasons, this variant has been classified as Pathogenic.

Myriad Genetics, Inc.
Classification: Pathogenic for Peroxisome biogenesis disorder. Last evaluated: 2024-04-17. Review status: criteria provided, single submitter. Criteria: Myriad Autosomal Dominant, Autosomal Recessive and X-Linked Classification Criteria (2023). Collection method: clinical testing. Allele origin: unknown.
Comment: NM_000466.2(PEX1):c.829C>T(Q277*) is expected to be pathogenic in the context of peroxisome biogenesis disorder type 1. This variant is predicted to lead to an abnormal or absent protein product due to the creation of a premature termination codon in PEX1, a gene where loss-of-function variants are known to be pathogenic. Please note: this variant was assessed in the context of healthy population screening.

Mayo Clinic Laboratories, Mayo Clinic
Classification: Likely pathogenic. Last evaluated: 2022-10-11. Review status: criteria provided, single submitter. Criteria: ACMG Guidelines, 2015. Collection method: clinical testing. Allele origin: germline. Observed: 1 variant allele.
Comment: PM2, PVS1

Literature cited by the submitters: PubMed 21031596 (cited by Labcorp Genetics (formerly Invitae), Labcorp); PubMed 26387595 (cited by Labcorp Genetics (formerly Invitae), Labcorp); PubMed 31831025 (cited by Labcorp Genetics (formerly Invitae), Labcorp).